The following is an entry in ClinVar:

NM_000321.3(RB1):c.1199T>C (p.Leu400Pro)

Gene: RB1 (RB transcriptional corepressor 1; plus strand). Cytogenetic location: 13q14.2.
Variant type: single nucleotide variant.
Coding change: c.1199T>C on transcript NM_000321.3 (MANE Select); coding-DNA position 1199, T replaced by C.
Protein change: p.Leu400Pro; replaces leucine 400 with proline.
Molecular consequence: missense variant.
Genome position (GRCh38, 1-based): chr13:48,373,476, T>C. VCF-style: chr13-48373476-T-C. GRCh37 (hg19) VCF-style: chr13-48947612-T-C.
Other names: short protein forms L400P.
Identifiers: ClinVar variation 1067622 (VCV001067622.9), dbSNP rs2138131298, ClinGen allele CA388161647.

ClinVar aggregate classification (germline): Likely pathogenic (1 of 4 stars; one submission).

Conditions:
Retinoblastoma (RB1). Also called: RETINOBLASTOMA, SOMATIC. Identifiers: Orphanet 790, MedGen C0035335, MeSH D012175, MONDO:0008380, OMIM 180200, HP:0009919. Disease mechanism: loss of function. Inheritance: Both sporadic and heritable forms are tested..

Allele frequency attached by ClinVar (database versions not stated): gnomAD exomes below 0.00001.
gnomAD v4.1: 1 of 1,575,960 alleles (0.000063%); highest among the groups gnomAD compares: Non-Finnish European, 0.000087%; no homozygotes.

Submission:

Labcorp Genetics (formerly Invitae), Labcorp
Classification: Likely pathogenic for Retinoblastoma. Last evaluated: 2020-04-16. Review status: criteria provided, single submitter. Criteria: Invitae Variant Classification Sherloc (09022015). Collection method: clinical testing. Allele origin: germline.
Comment: This sequence change replaces leucine with proline at codon 400 of the RB1 protein (p.Leu400Pro). The leucine residue is highly conserved and there is a moderate physicochemical difference between leucine and proline. This variant is not present in population databases (ExAC no frequency). This variant has been observed in individual(s) with retinoblastoma (Invitae). In at least one individual the variant was observed to be de novo. Algorithms developed to predict the effect of missense changes on protein structure and function (SIFT, PolyPhen-2, Align-GVGD) all suggest that this variant is likely to be disruptive, but these predictions have not been confirmed by published functional studies and their clinical significance is uncertain. In summary, the currently available evidence indicates that the variant is pathogenic, but additional data are needed to prove that conclusively. Therefore, this variant has been classified as Likely Pathogenic.